The following is an entry in ClinVar:

ClinVar aggregate classification (germline): Uncertain significance. Review status: criteria provided, multiple submitters, no conflicts (2 of 4 stars). 3 submissions from 3 submitters: Uncertain significance (3). Last evaluated 2025-06-24.

Conditions:
Inborn genetic diseases. Identifiers: MedGen C0950123, MeSH D030342.
Idiopathic generalized epilepsy. Also called: EIG; Generalised epilepsy. Identifiers: MedGen C0270850, MONDO:0005579, OMIM 600669.

Allele frequency attached by ClinVar (database versions not stated): TOPMed 0.00001; gnomAD exomes 0.00002.

Submissions (3):

Ambry Genetics
Classification: Uncertain significance for Inborn genetic diseases. Last evaluated: 2025-06-24. Review status: criteria provided, single submitter. Criteria: Ambry Variant Classification Scheme 2023. Collection method: clinical testing. Allele origin: germline.

Labcorp Genetics (formerly Invitae), Labcorp
Classification: Uncertain significance for Idiopathic generalized epilepsy. Last evaluated: 2024-10-30. Review status: criteria provided, single submitter. Criteria: Invitae Variant Classification Sherloc (09022015). Collection method: clinical testing. Allele origin: germline.
Comment: This sequence change replaces valine, which is neutral and non-polar, with isoleucine, which is neutral and non-polar, at codon 383 of the GABRD protein (p.Val383Ile). This variant is present in population databases (no rsID available, gnomAD 0.003%). This variant has not been reported in the literature in individuals affected with GABRD-related conditions. ClinVar contains an entry for this variant (Variation ID: 2689101). An algorithm developed to predict the effect of missense changes on protein structure and function outputs the following: PolyPhen-2: "Benign". The isoleucine amino acid residue is found in multiple mammalian species, which suggests that this missense change does not adversely affect protein function. In summary, the available evidence is currently insufficient to determine the role of this variant in disease. Therefore, it has been classified as a Variant of Uncertain Significance.

Revvity Omics, Revvity
Classification: Uncertain significance. Last evaluated: 2021-05-31. Review status: criteria provided, single submitter. Criteria: ACMG Guidelines, 2015. Collection method: clinical testing. Allele origin: germline.

NM_000815.5(GABRD):c.1147G>A (p.Val383Ile)

Gene: GABRD (gamma-aminobutyric acid type A receptor subunit delta; plus strand). Cytogenetic location: 1p36.33.
Variant type: single nucleotide variant.
Coding change: c.1147G>A on transcript NM_000815.5 (MANE Select); coding-DNA position 1147, G replaced by A.
Protein change: p.Val383Ile; replaces valine 383 with isoleucine.
Molecular consequence: missense variant.
Genome position (GRCh38, 1-based): chr1:2,030,070, G>A. VCF-style: chr1-2030070-G-A. GRCh37 (hg19) VCF-style: chr1-1961509-G-A.
Other names: c.1147G>A (NM_000815.4); short protein forms V383I.
Identifiers: ClinVar variation 2689101 (VCV002689101.6), dbSNP rs1459168993, ClinGen allele CA337960592.
Genomic context (GRCh38, chr1:2,030,070, plus strand): 5'-TTCTCCCTCTCTGCTGCCGGCGTCACGCAGGAGCTGGCCATCTCCCGCCGGCAGCGCCGC[G>A]TCCCGGGGAACCTGATGGGCTCCTACAGGTCGGTGGGGGTGGAGACAGGGGAGACGAAGA-3'
Protein context (NP_000806.2, residues 373-393): ELAISRRQRR[Val383Ile]PGNLMGSYRS